The following is an entry in ClinVar:

ClinVar aggregate classification (germline): Uncertain significance (1 of 4 stars; one submission).

gnomAD v4.1: 2 of 1,612,630 alleles (0.00012%); highest among the groups gnomAD compares: South Asian, 0.0022%; no homozygotes.

Submission:

Labcorp Genetics (formerly Invitae), Labcorp
Classification: Uncertain significance. Last evaluated: 2024-01-19. Review status: criteria provided, single submitter. Criteria: Invitae Variant Classification Sherloc (09022015). Collection method: clinical testing. Allele origin: germline.
Comment: This sequence change replaces serine, which is neutral and polar, with proline, which is neutral and non-polar, at codon 152 of the SON protein (p.Ser152Pro). This variant is present in population databases (rs551107168, gnomAD 0.003%). This variant has not been reported in the literature in individuals affected with SON-related conditions. An algorithm developed to predict the effect of missense changes on protein structure and function (PolyPhen-2) suggests that this variant is likely to be disruptive. In summary, the available evidence is currently insufficient to determine the role of this variant in disease. Therefore, it has been classified as a Variant of Uncertain Significance.

NM_138927.4(SON):c.454T>C (p.Ser152Pro)

Gene: SON (SON DNA and RNA binding protein; plus strand). Cytogenetic location: 21q22.11.
Variant type: single nucleotide variant.
Coding change: c.454T>C on transcript NM_138927.4 (MANE Select); coding-DNA position 454, T replaced by C.
Protein change: p.Ser152Pro; replaces serine 152 with proline.
Molecular consequence: missense variant. On other transcripts: non-coding transcript variant (1), intron variant (1).
Genome position (GRCh38, 1-based): chr21:33,549,685, T>C. VCF-style: chr21-33549685-T-C. GRCh37 (hg19) VCF-style: chr21-34921991-T-C.
Other names: c.454T>C, p.Ser152Pro (NM_001291411.2, NM_032195.3); c.244+3306T>C (NM_001291412.3); short protein forms S152P.
Identifiers: ClinVar variation 3630122 (VCV003630122.2).
Genomic context (GRCh38, chr21:33,549,685, plus strand): 5'-CAGCCAGAAGAATCTGAGTCAAAGACGAAATCTCATGATGATGGGAACATAGATTTAGAA[T>C]CTGATTCCTTTTTAAAGTTTGATTCTGAACCTTCAGCTGTGGCGCTGGAGCTTCCTACAA-3'
Protein context (NP_620305.3, residues 142-162): SHDDGNIDLE[Ser152Pro]DSFLKFDSEP